The following is an entry in ClinVar:

NM_032119.4(ADGRV1):c.14432C>T (p.Pro4811Leu)

Gene: ADGRV1 (adhesion G protein-coupled receptor V1; plus strand). Cytogenetic location: 5q14.3.
Variant type: single nucleotide variant.
Coding change: c.14432C>T on transcript NM_032119.4 (MANE Select); coding-DNA position 14432, C replaced by T.
Protein change: p.Pro4811Leu; replaces proline 4811 with leucine.
Molecular consequence: missense variant. On other transcripts: non-coding transcript variant (1).
Genome position (GRCh38, 1-based): chr5:90,791,261, C>T. VCF-style: chr5-90791261-C-T. GRCh37 (hg19) VCF-style: chr5-90087078-C-T.
Other names: short protein forms P4811L.
Identifiers: ClinVar variation 227394 (VCV000227394.18), dbSNP rs201747452, ClinGen allele CA3341727.
Genomic context (GRCh38, chr5:90,791,261, plus strand): 5'-CTGGAACATTTGGAGATGTGGCTGTTGGGCTTCGAATATCATCGGATCATAAAGAACAGC[C>T]GATTGTTACCGAAAATGCAGAGAGGCAGCTGGTGGTCAAAGATGGTGCCACATATAAAGT-3'
Protein context (NP_115495.3, residues 4801-4821): LRISSDHKEQ[Pro4811Leu]IVTENAERQL

ClinVar aggregate classification (germline): Conflicting classifications of pathogenicity. Review status: criteria provided, conflicting classifications (1 of 4 stars). 5 submissions from 5 submitters: Uncertain significance (3); Likely benign (2). Last evaluated 2026-01-16.

Conditions:
Inborn genetic diseases. Identifiers: MedGen C0950123, MeSH D030342.

Allele frequency attached by ClinVar (database versions not stated): TOPMed 0.00002.
gnomAD v4.1: 45 of 1,609,590 alleles (0.0028%); highest among the groups gnomAD compares: Middle Eastern, 0.066%; no homozygotes.

Submissions (5):

Labcorp Genetics (formerly Invitae), Labcorp
Classification: Likely benign. Last evaluated: 2026-01-16. Review status: criteria provided, single submitter. Criteria: Invitae Variant Classification Sherloc (09022015). Collection method: clinical testing. Allele origin: germline.

Ambry Genetics
Classification: Uncertain significance for Inborn genetic diseases. Last evaluated: 2025-09-01. Review status: criteria provided, single submitter. Criteria: Ambry Variant Classification Scheme 2023. Collection method: clinical testing. Allele origin: germline.

Blueprint Genetics
Classification: Uncertain significance. Last evaluated: 2020-03-04. Review status: criteria provided, single submitter. Criteria: ACMG Guidelines, 2015. Collection method: clinical testing. Allele origin: germline.

Eurofins Ntd Llc (ga)
Classification: Uncertain significance. Last evaluated: 2016-07-01. Review status: criteria provided, single submitter. Criteria: EGL Classification Definitions 2015. Collection method: clinical testing. Allele origin: germline. Observed: 2 variant alleles, 2 heterozygotes.

Laboratory for Molecular Medicine, Mass General Brigham Personalized Medicine
Classification: Likely benign. Last evaluated: 2015-02-02. Review status: criteria provided, single submitter. Criteria: LMM Criteria. Collection method: clinical testing. Allele origin: germline. Observed: 1 variant allele.
Comment: p.Pro4811Leu in exon 70 of GPR98: This variant is not expected to have clinical significance because proline (Pro) residue at position 4811 is not conserved thr ough species, with 3 mammals (squirrel, cat and shrew) and more than 10 birds & reptiles species having a leucine (Leu) at this position. This variant has been reported in 4/44888 European chromosomes by the Exome Aggregation Consortium (Ex AC).